The following is an entry in ClinVar:

NM_014844.5(TECPR2):c.1784C>T (p.Thr595Met)

Gene: TECPR2 (tectonin beta-propeller repeat containing 2; plus strand). Cytogenetic location: 14q32.31.
Variant type: single nucleotide variant.
Coding change: c.1784C>T on transcript NM_014844.5 (MANE Select); coding-DNA position 1784, C replaced by T.
Protein change: p.Thr595Met; replaces threonine 595 with methionine.
Molecular consequence: missense variant.
Genome position (GRCh38, 1-based): chr14:102,434,601, C>T. VCF-style: chr14-102434601-C-T. GRCh37 (hg19) VCF-style: chr14-102900938-C-T.
Other names: c.1784C>T, p.Thr595Met (NM_001172631.3); short protein forms T595M.
Identifiers: ClinVar variation 569873 (VCV000569873.10), dbSNP rs150893437, ClinGen allele CA7357785.
Genomic context (GRCh38, chr14:102,434,601, plus strand): 5'-ATGCACATGGGCGGGAGCTGCTCAATGGAGCGAGGGAAGATGTGGGAGGCAGTGATGTCA[C>T]GGGACTCGGAGATGAGCCGTGTCCTGCAGATGATGGACCAAATAGCACACAGTTACCCTT-3'
Protein context (NP_055659.2, residues 585-605): AREDVGGSDV[Thr595Met]GLGDEPCPAD

ClinVar aggregate classification (germline): Uncertain significance. Review status: criteria provided, multiple submitters, no conflicts (2 of 4 stars). 4 submissions from 4 submitters: Uncertain significance (4). Last evaluated 2024-12-31.

Conditions:
TECPR2-related disorder. Also called: TECPR2-related condition.
Hereditary spastic paraplegia 49 (HSAN9). Also called: Spastic paraplegia 49, autosomal recessive; NEUROPATHY, HEREDITARY SENSORY AND AUTONOMIC, TYPE IX, WITH DEVELOPMENTAL DELAY; TECPR2-Related Hereditary Sensory and Autonomic Neuropathy with Intellectual Disability. Identifiers: Orphanet 320385, MedGen C5190860, MONDO:0014016, OMIM 615031.
Inborn genetic diseases. Identifiers: MedGen C0950123, MeSH D030342.

Allele frequency attached by ClinVar (database versions not stated): gnomAD 0.00008 and 0.00009; ExAC 0.00010; TOPMed 0.00012; gnomAD exomes 0.00013 and 0.00027; ESP Exome Variant Server 0.00031.
gnomAD v4.1: 386 of 1,569,268 alleles (0.025%); highest among the groups gnomAD compares: Non-Finnish European, 0.031%; no homozygotes.

Submissions (4):

PreventionGenetics, part of Exact Sciences
Classification: Uncertain significance for TECPR2-related condition. Last evaluated: 2024-12-31. Review status: criteria provided, single submitter. Criteria: ACMG Guidelines, 2015. Collection method: clinical testing. Allele origin: germline.
Comment: The TECPR2 c.1784C>T variant is predicted to result in the amino acid substitution p.Thr595Met. To our knowledge, this variant has not been reported in the literature. This variant is reported in 0.022% of alleles in individuals of European (Non-Finnish) descent in gnomAD. At this time, the clinical significance of this variant is uncertain due to the absence of conclusive functional and genetic evidence.

Labcorp Genetics (formerly Invitae), Labcorp
Classification: Uncertain significance for Hereditary spastic paraplegia 49. Last evaluated: 2022-03-10. Review status: criteria provided, single submitter. Criteria: Invitae Variant Classification Sherloc (09022015). Collection method: clinical testing. Allele origin: germline.
Comment: This sequence change replaces threonine, which is neutral and polar, with methionine, which is neutral and non-polar, at codon 595 of the TECPR2 protein (p.Thr595Met). This variant is present in population databases (rs150893437, gnomAD 0.02%). This variant has not been reported in the literature in individuals affected with TECPR2-related conditions. ClinVar contains an entry for this variant (Variation ID: 569873). Algorithms developed to predict the effect of missense changes on protein structure and function (SIFT, PolyPhen-2, Align-GVGD) all suggest that this variant is likely to be tolerated. In summary, the available evidence is currently insufficient to determine the role of this variant in disease. Therefore, it has been classified as a Variant of Uncertain Significance.

Ambry Genetics
Classification: Uncertain significance for Inborn genetic diseases. Last evaluated: 2021-09-27. Review status: criteria provided, single submitter. Criteria: Ambry Variant Classification Scheme 2023. Collection method: clinical testing. Allele origin: germline.

Mayo Clinic Laboratories, Mayo Clinic
Classification: Uncertain significance. Last evaluated: 2019-12-20. Review status: criteria provided, single submitter. Criteria: ACMG Guidelines, 2015. Collection method: clinical testing. Allele origin: germline. Observed: 1 variant allele.